The following is an entry in ClinVar:

NM_003072.5(SMARCA4):c.303G>T (p.Gly101=)

Gene: SMARCA4 (SWI/SNF related BAF chromatin remodeling complex subunit ATPase 4; plus strand). Cytogenetic location: 19p13.2.
Variant type: single nucleotide variant.
Coding change: c.303G>T on transcript NM_003072.5 (MANE Select); coding-DNA position 303, G replaced by T.
Protein change: p.Gly101=; no amino-acid change (glycine 101 retained).
Molecular consequence: synonymous variant. On other transcripts: non-coding transcript variant (1).
Genome position (GRCh38, 1-based): chr19:10,985,353, G>T. VCF-style: chr19-10985353-G-T. GRCh37 (hg19) VCF-style: chr19-11096029-G-T.
Other names: c.303G>T, p.Gly101= (NM_001128844.3, NM_001128845.2, NM_001128846.2 and 5 more transcripts).
Identifiers: ClinVar variation 470333 (VCV000470333.19), dbSNP rs1170894634, ClinGen allele CA505487903.

ClinVar aggregate classification (germline): Conflicting classifications of pathogenicity. Review status: criteria provided, conflicting classifications (1 of 4 stars). 6 submissions from 6 submitters: Uncertain significance (2); Benign (1); Likely benign (3). Last evaluated 2026-07-08.

Conditions:
Hereditary cancer-predisposing syndrome. Also called: Hereditary Cancer Syndrome; Hereditary neoplastic syndrome; Neoplastic Syndromes, Hereditary; Tumor predisposition. Identifiers: Orphanet 140162, MedGen C0027672, MeSH D009386, MONDO:0015356.
Intellectual disability, autosomal dominant 16 (CSS4). Also called: COFFIN-SIRIS SYNDROME 4. Identifiers: Orphanet 1465, MedGen C3553249, MONDO:0013821, OMIM 614609.
Rhabdoid tumor predisposition syndrome 2 (RTPS2). Identifiers: Orphanet 231108, Orphanet 69077, MedGen C2750074, MONDO:0013224, OMIM 613325.

Allele frequency attached by ClinVar (database versions not stated): TOPMed below 0.00001; gnomAD exomes below 0.00001.
gnomAD v4.1: 6 of 1,614,060 alleles (0.00037%); highest among the groups gnomAD compares: Non-Finnish European, 0.00042%; no homozygotes.

Submissions (6):

Myriad Genetics, Inc.
Classification: Benign for Rhabdoid tumor predisposition syndrome 2. Last evaluated: 2026-07-08. Review status: criteria provided, single submitter. Criteria: Myriad Autosomal Dominant, Autosomal Recessive and X-Linked Classification Criteria (2023). Collection method: clinical testing. Allele origin: unknown.
Comment: This variant is considered benign. This variant is a silent/synonymous amino acid change and it is not expected to impact splicing.

Labcorp Genetics (formerly Invitae), Labcorp
Classification: Likely benign for Rhabdoid tumor predisposition syndrome 2. Last evaluated: 2026-01-20. Review status: criteria provided, single submitter. Criteria: Invitae Variant Classification Sherloc (09022015). Collection method: clinical testing. Allele origin: germline.

Blueprint Genetics
Classification: Likely benign. Last evaluated: 2023-12-15. Review status: criteria provided, single submitter. Criteria: ACMG Guidelines, 2015. Collection method: clinical testing. Allele origin: germline.

Institute for Clinical Genetics, University Hospital TU Dresden, University Hospital TU Dresden
Classification: Uncertain significance. Last evaluated: 2021-11-03. Review status: criteria provided, single submitter. Criteria: ACMG Guidelines, 2015. Collection method: clinical testing. Allele origin: germline.

Genome-Nilou Lab
Classification: Uncertain significance for Intellectual disability, autosomal dominant 16. Last evaluated: 2021-07-15. Review status: criteria provided, single submitter. Criteria: ACMG Guidelines, 2015. Collection method: clinical testing. Allele origin: germline. Affected: no.

Ambry Genetics
Classification: Likely benign for Hereditary cancer-predisposing syndrome. Last evaluated: 2015-11-26. Review status: criteria provided, single submitter. Criteria: Ambry Variant Classification Scheme 2023. Collection method: clinical testing. Allele origin: germline.